The following is an entry in ClinVar:

NM_003611.3(OFD1):c.2427A>T (p.Glu809Asp)

Gene: OFD1 (OFD1 centriole and centriolar satellite protein; plus strand). Cytogenetic location: Xp22.2.
Variant type: single nucleotide variant.
Coding change: c.2427A>T on transcript NM_003611.3 (MANE Select); coding-DNA position 2427, A replaced by T.
Protein change: p.Glu809Asp; replaces glutamic acid 809 with aspartic acid.
Molecular consequence: missense variant.
Genome position (GRCh38, 1-based): chrX:13,762,383, A>T. VCF-style: chrX-13762383-A-T. GRCh37 (hg19) VCF-style: chrX-13780502-A-T.
Other names: c.2307A>T, p.Glu769Asp (NM_001330209.2, NM_001440948.1); c.2007A>T, p.Glu669Asp (NM_001330210.2); c.2427A>T, p.Glu809Asp (NM_001440947.1); short protein forms E669D, E769D, E809D.
Identifiers: ClinVar variation 4882349 (VCV004882349.2).

ClinVar aggregate classification (germline): Uncertain significance (1 of 4 stars; one submission).

Submission:

Dasa
Classification: Uncertain significance. Last evaluated: 2025-11-10. Review status: criteria provided, single submitter. Criteria: DASA Assertion Criteria. Collection method: clinical testing. Allele origin: germline.
Comment: NM_003611.3(OFD1):c.2427A>T (p.Glu809Asp) is a missense variant that results in the substitution of glutamic acid with aspartic acid. This variant is absent from population databases. Computational prediction algorithms are consistent with a benign effect. The currently available literature and clinical evidence are not sufficient to establish a definitive association between this variant and the reported condition. Therefore, this variant is classified as a variant of uncertain significance.